The following is an entry in ClinVar:

ClinVar aggregate classification (germline): Likely pathogenic (1 of 4 stars; one submission).

Conditions:
Intellectual developmental disorder, autosomal dominant 6, with or without seizures. Also called: GRIN2B-related developmental delay, intellectual disability and autism spectrum disorder; Intellectual disability, autosomal dominant 6. Identifiers: Orphanet 589547, MedGen C3151411, MONDO:0013509, OMIM 613970.

Submission:

Institute of Human Genetics, University of Leipzig Medical Center
Classification: Likely pathogenic for Intellectual developmental disorder, autosomal dominant 6, with or without seizures. Last evaluated: 2017-04-04. Review status: criteria provided, single submitter. Criteria: ACMG Guidelines, 2015. Collection method: clinical testing. Allele origin: de novo. Affected: yes.
Comment: This variant was identified as de novo (maternity and paternity confirmed).

Literature cited by the submitters: PubMed 28377535.

NM_000834.5(GRIN2B):c.1906G>C (p.Ala636Pro)

Gene: GRIN2B (glutamate ionotropic receptor NMDA type subunit 2B; minus strand). Cytogenetic location: 12p13.1.
Variant type: single nucleotide variant.
Coding change: c.1906G>C on transcript NM_000834.5 (MANE Select); coding-DNA position 1906, G replaced by C.
Protein change: p.Ala636Pro; replaces alanine 636 with proline.
Molecular consequence: missense variant.
Genome position (GRCh38, 1-based): chr12:13,608,707, C>G on the plus strand (G>C on the coding strand, the complement: GRIN2B is on the minus strand). VCF-style: chr12-13608707-C-G. GRCh37 (hg19) VCF-style: chr12-13761641-C-G.
Other names: short protein forms A636P.
Identifiers: ClinVar variation 916611 (VCV000916611.1), dbSNP rs1949320812, ClinGen allele CA384051083.